The following is an entry in ClinVar:

ClinVar aggregate classification (germline): Uncertain significance (1 of 4 stars; one submission).

gnomAD v4.1: 1 of 1,614,138 alleles (0.000062%); highest among the groups gnomAD compares: Middle Eastern, 0.017%; no homozygotes.

Submission:

Labcorp Genetics (formerly Invitae), Labcorp
Classification: Uncertain significance. Last evaluated: 2024-01-02. Review status: criteria provided, single submitter. Criteria: Invitae Variant Classification Sherloc (09022015). Collection method: clinical testing. Allele origin: germline.
Comment: This sequence change replaces tyrosine, which is neutral and polar, with asparagine, which is neutral and polar, at codon 923 of the CNGB1 protein (p.Tyr923Asn). This variant is not present in population databases (gnomAD no frequency). This variant has not been reported in the literature in individuals affected with CNGB1-related conditions. ClinVar contains an entry for this variant (Variation ID: 1398447). Advanced modeling of protein sequence and biophysical properties (such as structural, functional, and spatial information, amino acid conservation, physicochemical variation, residue mobility, and thermodynamic stability) performed at Invitae indicates that this missense variant is expected to disrupt CNGB1 protein function with a positive predictive value of 80%. In summary, the available evidence is currently insufficient to determine the role of this variant in disease. Therefore, it has been classified as a Variant of Uncertain Significance.

NM_001297.5(CNGB1):c.2767T>A (p.Tyr923Asn)

Gene: CNGB1 (cyclic nucleotide gated channel subunit beta 1; minus strand). Cytogenetic location: 16q21.
Variant type: single nucleotide variant.
Coding change: c.2767T>A on transcript NM_001297.5 (MANE Select); coding-DNA position 2767, T replaced by A.
Protein change: p.Tyr923Asn; replaces tyrosine 923 with asparagine.
Molecular consequence: missense variant.
Genome position (GRCh38, 1-based): chr16:57,903,849, A>T on the plus strand (T>A on the coding strand, the complement: CNGB1 is on the minus strand). VCF-style: chr16-57903849-A-T. GRCh37 (hg19) VCF-style: chr16-57937753-A-T.
Other names: c.2749T>A, p.Tyr917Asn (NM_001286130.2); short protein forms Y917N, Y923N.
Identifiers: ClinVar variation 1398447 (VCV001398447.8), dbSNP rs1960457123, ClinGen allele CA396057283.